The following is an entry in ClinVar:

NM_017662.5(TRPM6):c.143A>C (p.Asn48Thr)

Gene: TRPM6 (transient receptor potential cation channel subfamily M member 6; minus strand). Cytogenetic location: 9q21.13.
Variant type: single nucleotide variant.
Coding change: c.143A>C on transcript NM_017662.5 (MANE Select); coding-DNA position 143, A replaced by C.
Protein change: p.Asn48Thr; replaces asparagine 48 with threonine.
Molecular consequence: missense variant.
Genome position (GRCh38, 1-based): chr9:74,855,536, T>G on the plus strand (A>C on the coding strand, the complement: TRPM6 is on the minus strand). VCF-style: chr9-74855536-T-G. GRCh37 (hg19) VCF-style: chr9-77470452-T-G.
Other names: c.128A>C, p.Asn43Thr (NM_001177310.2, NM_001177311.2); short protein forms N43T, N48T.
Identifiers: ClinVar variation 1915593 (VCV001915593.5), dbSNP rs111856551, ClinGen allele CA194298927.

ClinVar aggregate classification (germline): Uncertain significance (1 of 4 stars; one submission).

Allele frequency attached by ClinVar (database versions not stated): gnomAD exomes 0.00001.
gnomAD v4.1: 12 of 1,608,796 alleles (0.00075%); highest among the groups gnomAD compares: African/African-American, 0.011%; no homozygotes.

Submission:

Labcorp Genetics (formerly Invitae), Labcorp
Classification: Uncertain significance. Last evaluated: 2022-09-26. Review status: criteria provided, single submitter. Criteria: Invitae Variant Classification Sherloc (09022015). Collection method: clinical testing. Allele origin: germline.
Comment: This sequence change replaces asparagine, which is neutral and polar, with threonine, which is neutral and polar, at codon 48 of the TRPM6 protein (p.Asn48Thr). This variant is not present in population databases (gnomAD no frequency). This variant has not been reported in the literature in individuals affected with TRPM6-related conditions. Algorithms developed to predict the effect of missense changes on protein structure and function are either unavailable or do not agree on the potential impact of this missense change (SIFT: "Deleterious"; PolyPhen-2: "Benign"; Align-GVGD: "Class C0"). In summary, the available evidence is currently insufficient to determine the role of this variant in disease. Therefore, it has been classified as a Variant of Uncertain Significance.